The following is an entry in ClinVar:

ClinVar aggregate classification (germline): Uncertain significance (1 of 4 stars; one submission).

Conditions:
Hereditary cancer-predisposing syndrome. Also called: Neoplastic Syndromes, Hereditary; Tumor predisposition; Hereditary Cancer Syndrome; Hereditary neoplastic syndrome. Identifiers: Orphanet 140162, MedGen C0027672, MeSH D009386, MONDO:0015356.

Submission:

Ambry Genetics
Classification: Uncertain significance for Hereditary cancer-predisposing syndrome. Last evaluated: 2019-04-17. Review status: criteria provided, single submitter. Criteria: Ambry Variant Classification Scheme 2023. Collection method: clinical testing. Allele origin: germline.
Comment: The p.D1143E variant (also known as c.3429T>A), located in coding exon 19 of the BRIP1 gene, results from a T to A substitution at nucleotide position 3429. The aspartic acid at codon 1143 is replaced by glutamic acid, an amino acid with highly similar properties. This amino acid position is poorly conserved in available vertebrate species. In addition, this alteration is predicted to be tolerated by in silico analysis. Since supporting evidence is limited at this time, the clinical significance of this alteration remains unclear.

NM_032043.3(BRIP1):c.3429T>A (p.Asp1143Glu)

Gene: BRIP1 (BRCA1 interacting DNA helicase 1; minus strand). Cytogenetic location: 17q23.2.
Variant type: single nucleotide variant.
Coding change: c.3429T>A on transcript NM_032043.3 (MANE Select); coding-DNA position 3429, T replaced by A.
Protein change: p.Asp1143Glu; replaces aspartic acid 1143 with glutamic acid.
Molecular consequence: missense variant.
Genome position (GRCh38, 1-based): chr17:61,683,617, A>T on the plus strand (T>A on the coding strand, the complement: BRIP1 is on the minus strand). VCF-style: chr17-61683617-A-T. GRCh37 (hg19) VCF-style: chr17-59760978-A-T.
Other names: short protein forms D1143E.
Identifiers: ClinVar variation 1731326 (VCV001731326.2), dbSNP rs1315917374, ClinGen allele CA400478746.